The following is an entry in ClinVar:

NM_000059.4(BRCA2):c.9720T>C (p.Val3240=)

Gene: BRCA2 (BRCA2 DNA repair associated; plus strand). Cytogenetic location: 13q13.1.
Variant type: single nucleotide variant.
Coding change: c.9720T>C on transcript NM_000059.4 (MANE Select); coding-DNA position 9720, T replaced by C.
Protein change: p.Val3240=; no amino-acid change (valine 3240 retained).
Molecular consequence: synonymous variant.
Genome position (GRCh38, 1-based): chr13:32,398,233, T>C. VCF-style: chr13-32398233-T-C. GRCh37 (hg19) VCF-style: chr13-32972370-T-C.
Other names: V3240V; p.V3240V:GTT>GTC; NP_000050.3:p.Val3240=.
Identifiers: ClinVar variation 52895 (VCV000052895.55), dbSNP rs80359810, ClinGen allele CA026282.
Genomic context (GRCh38, chr13:32,398,233, plus strand): 5'-TAATTGTGAGATATATTATCAAAGTCCTTTATCACTTTGTATGGCCAAAAGGAAGTCTGT[T>C]TCCACACCTGTCTCAGCCCAGATGACTTCAAAGTCTTGTAAAGGGGAGAAAGAGATTGAT-3'
Protein context (NP_000050.3, residues 3230-3250): LSLCMAKRKS[Val3240=]STPVSAQMTS

ClinVar aggregate classification (germline): Likely benign. Review status: reviewed by expert panel (3 of 4 stars). 21 submissions from 21 submitters: Likely benign (1). 20 of the submissions do not count toward it. Last evaluated 2017-06-29.

Conditions:
BRCA2-related disorder. Also called: BRCA2-related condition; BRCA2-related disorders. Identifiers: MedGen CN239275.
Hereditary cancer-predisposing syndrome. Also called: Tumor predisposition; Neoplastic Syndromes, Hereditary; Hereditary neoplastic syndrome; Hereditary Cancer Syndrome. Identifiers: Orphanet 140162, MedGen C0027672, MeSH D009386, MONDO:0015356.
Hereditary breast ovarian cancer syndrome. Also called: Hereditary breast and ovarian cancer; BRCA1- and BRCA2-Associated Hereditary Breast and Ovarian Cancer; Hereditary breast and/or ovarian cancer syndrome; Hereditary breast and ovarian cancer syndrome; Breast and ovarian cancer; Hereditary breast and ovarian cancer syndrome (HBOC). Identifiers: Orphanet 145, MedGen C0677776, MeSH D061325, MONDO:0003582. Disease mechanism: loss of function.
Breast-ovarian cancer, familial, susceptibility to, 2 (BROVCA2). Also called: BRCA2 Hereditary Breast and Ovarian Cancer. Identifiers: Orphanet 145, MedGen C2675520, MONDO:0012933, OMIM 612555. Disease mechanism: loss of function.
Malignant tumor of breast. Also called: Malignant breast neoplasm; Cancer breast. Identifiers: MedGen C0006142, MONDO:0007254. Disease mechanism: loss of function.
Familial cancer of breast. Also called: BREAST CANCER, FAMILIAL; hereditary breast carcinoma; Hereditary breast cancer. Identifiers: Orphanet 227535, MedGen C0346153, MONDO:0016419, OMIM 114480. Disease mechanism: loss of function.

Allele frequency attached by ClinVar (database versions not stated): gnomAD exomes 0.00003 and 0.00009; ExAC 0.00007; gnomAD 0.00043 and 0.00048; TOPMed 0.00048; ESP Exome Variant Server 0.00077.
gnomAD v4.1: 116 of 1,613,786 alleles (0.0072%); highest among the groups gnomAD compares: African/African-American, 0.14%; no homozygotes.

Submissions (21):

Evidence-based Network for the Interpretation of Germline Mutant Alleles (ENIGMA)
Classification: Likely benign for Breast-ovarian cancer, familial, susceptibility to, 2. Last evaluated: 2017-06-29. Review status: reviewed by expert panel. Criteria: ENIGMA BRCA1/2 Classification Criteria (2017-06-29). Collection method: curation. Allele origin: germline.
Comment: Synonymous substitution variant, with low bioinformatic likelihood to result in a splicing aberration (Splicing prior probability 0.02).

Institute for Biomarker Research, Medical Diagnostic Laboratories, L.L.C.
Classification: Likely benign for Hereditary breast ovarian cancer syndrome. Last evaluated: 2026-06-29. Review status: criteria provided, single submitter. Criteria: ACMG Guidelines, 2015. Collection method: clinical testing. Allele origin: germline. Not counted in ClinVar's aggregate classification.
Comment: The synonymous variant NM_000059.4(BRCA2):c.9720T>C (p.Val3240=) has been reported to ClinVar as Likely benign with a status of (3 stars) reviewed by expert panel (Accession: VCV000052895.53). The p.Val3240= variant is observed in 21/16,250 (0.1292%) alleles from individuals of gnomAD African background in gnomAD All, which is greater than expected for the disorder. The p.Val3240= variant is not predicted to disrupt an existing splice site. The p.Val3240= variant results in a substitution of a base that is not predicted conserved by GERP++ and PhyloP. For these reasons, this variant has been classified as Likely Benign.

Labcorp Genetics (formerly Invitae), Labcorp
Classification: Benign for Hereditary breast ovarian cancer syndrome. Last evaluated: 2026-01-31. Review status: criteria provided, single submitter. Criteria: Invitae Variant Classification Sherloc (09022015). Collection method: clinical testing. Allele origin: germline. Not counted in ClinVar's aggregate classification.

Blueprint Genetics
Classification: Likely benign. Last evaluated: 2024-06-05. Review status: criteria provided, single submitter. Criteria: ACMG Guidelines, 2015. Collection method: clinical testing. Allele origin: germline. Not counted in ClinVar's aggregate classification.

Quest Diagnostics Nichols Institute San Juan Capistrano
Classification: Benign. Last evaluated: 2021-12-18. Review status: criteria provided, single submitter. Criteria: Quest Diagnostics criteria. Collection method: clinical testing. Allele origin: unknown. Not counted in ClinVar's aggregate classification.

National Health Laboratory Service, Universitas Academic Hospital and University of the Free State
Classification: Likely benign for Hereditary breast ovarian cancer syndrome. Last evaluated: 2021-11-16. Review status: criteria provided, single submitter. Criteria: ACMG Guidelines, 2015. Collection method: clinical testing. Allele origin: germline. Affected: yes. Observed: 1 variant allele. Not counted in ClinVar's aggregate classification.

Sema4
Classification: Likely benign for Hereditary cancer-predisposing syndrome. Last evaluated: 2021-06-03. Review status: criteria provided, single submitter. Criteria: Sema4 Curation Guidelines. Collection method: curation. Allele origin: germline. Not counted in ClinVar's aggregate classification.

ARUP Laboratories, Molecular Genetics and Genomics, ARUP Laboratories
Classification: Benign. Last evaluated: 2018-11-20. Review status: criteria provided, single submitter. Criteria: ARUP Molecular Germline Variant Investigation Process. Collection method: clinical testing. Allele origin: germline. Not counted in ClinVar's aggregate classification.

Baylor Genetics
Classification: Benign for Familial cancer of breast. Last evaluated: 2017-02-23. Review status: criteria provided, single submitter. Criteria: ACMG Guidelines, 2015. Collection method: clinical testing. Allele origin: germline. Inheritance: Autosomal dominant inheritance. Affected: no. Not counted in ClinVar's aggregate classification.

Women's Health and Genetics/Laboratory Corporation of America, LabCorp
Classification: Likely benign. Last evaluated: 2016-01-22. Review status: criteria provided, single submitter. Criteria: LabCorp Variant Classification Summary - May 2015. Collection method: clinical testing. Allele origin: germline. Not counted in ClinVar's aggregate classification.
Comment: Variant summary: The variant of interest causes a synonymous change involving a non-conserved nucleotide with 5/5 in silico programs via Alamut predicting no significant effect on splicing, although these predictions have yet to be functionally assessed. The variant of interest was observed in the large, broad control population, ExAC with an allele frequency of 10/121302 (1/12195), predominantly found in the African cohort, 10/10370 (1/1037), which exceeds the maximum expected allele frequency for a pathogenic BRCA2 variant of 1/1333. Therefore, suggesting that the variant of interest is a rare polymorphism specific to population(s) of African origin. The variant of interest has been reported in at least one affected individual via a publication, although with limited information (ie lack co-segregation data). In addition, multiple reputable clinical laboratories cite the variant with a classification of "likely benign/benign." Therefore, taking all available lines of evidence into consideration, the variant of interest is classified as likely benign.

Color Diagnostics, LLC DBA Color Health
Classification: Likely benign for Hereditary cancer-predisposing syndrome. Last evaluated: 2015-11-16. Review status: criteria provided, single submitter. Criteria: ACMG Guidelines, 2015. Collection method: clinical testing. Allele origin: germline. Not counted in ClinVar's aggregate classification.

Eurofins Ntd Llc (ga)
Classification: Uncertain significance. Last evaluated: 2015-05-22. Review status: criteria provided, single submitter. Criteria: EGL Classification Definitions 2015. Collection method: clinical testing. Allele origin: germline. Observed: 1 variant allele, 1 heterozygote. Not counted in ClinVar's aggregate classification.

GeneDx
Classification: Benign. Last evaluated: 2014-07-21. Review status: criteria provided, single submitter. Criteria: GeneDx Variant Classification (06012015). Collection method: clinical testing. Allele origin: germline. Affected: yes. Not counted in ClinVar's aggregate classification.
Comment: This variant is considered likely benign or benign based on one or more of the following criteria: it is a conservative change, it occurs at a poorly conserved position in the protein, it is predicted to be benign by multiple in silico algorithms, and/or has population frequency not consistent with disease.

Ambry Genetics
Classification: Likely benign for Hereditary cancer-predisposing syndrome. Last evaluated: 2014-07-02. Review status: criteria provided, single submitter. Criteria: Ambry Variant Classification Scheme 2023. Collection method: clinical testing. Allele origin: germline. Not counted in ClinVar's aggregate classification.

Genetic Services Laboratory, University of Chicago
Classification: Likely benign. Last evaluated: 2022-07-27. Review status: no assertion criteria provided. Collection method: clinical testing. Allele origin: germline. Affected: no. Not counted in ClinVar's aggregate classification.

PreventionGenetics, part of Exact Sciences
Classification: Likely benign for BRCA2-related condition. Last evaluated: 2019-04-18. Review status: no assertion criteria provided. Collection method: clinical testing. Allele origin: germline. Not counted in ClinVar's aggregate classification.
Comment: This variant is classified as likely benign based on ACMG/AMP sequence variant interpretation guidelines (Richards et al. 2015 PMID: 25741868, with internal and published modifications).

Counsyl
Classification: Likely benign for Breast-ovarian cancer, familial, susceptibility to, 2. Last evaluated: 2016-06-09. Review status: no assertion criteria provided. Collection method: clinical testing. Allele origin: unknown. Not counted in ClinVar's aggregate classification.

Breast Cancer Information Core (BIC) (BRCA2)
Classification: Uncertain significance for Breast-ovarian cancer, familial 2. Last evaluated: 2003-10-29. Review status: no assertion criteria provided. Collection method: clinical testing. Allele origin: unknown. Affected: yes. Observed: 5 variant alleles. Not counted in ClinVar's aggregate classification.

Department of Pathology and Laboratory Medicine, Sinai Health System
Classification: Likely benign for Malignant tumor of breast. Review status: no assertion criteria provided. Collection method: clinical testing. Allele origin: unknown. Affected: yes. Study: The Canadian Open Genetics Repository (COGR). Not counted in ClinVar's aggregate classification.
Comment: The BRCA2 p.Val3240Val variant is not expected to have clinical significance because it does not result in a change of amino acid and is not located in a known consensus splice site, and in silico or computational prediction software programs (SpliceSiteFinder, MaxEntScan, NNSPLICE, GeneSplicer, HumanSpliceFinder) do not predict a difference in splicing. The variant was not identified in the literature, but was identified in the BIC database (5X as a variant with unknown clinical importance), and in dbSNP (ID: rs80359810) â€šÃ„ÃºWith untested alleleâ€šÃ„Ã¹. The variant was identified in the NHLBI Exome Sequencing Project (Exome Variant Server) in 10 of 4406 African American chromosomes (frequency: 0.002), increasing the likelihood that this may be a low frequency benign variant in certain populations of origin. In summary, based on the above information, the clinical significance of this variant cannot be determined with certainty at this time although we would lean towards a more benign role for this variant. This variant is classified as predicted benign.

Genome Diagnostics Laboratory, University Medical Center Utrecht
Classification: Likely benign. Review status: no assertion criteria provided. Collection method: clinical testing. Allele origin: germline. Affected: yes. Study: VKGL Data-share Consensus. Not counted in ClinVar's aggregate classification.

Joint Genome Diagnostic Labs from Nijmegen and Maastricht, Radboudumc and MUMC+
Classification: Likely benign. Review status: no assertion criteria provided. Collection method: clinical testing. Allele origin: germline. Affected: yes. Study: VKGL Data-share Consensus. Not counted in ClinVar's aggregate classification.

Literature cited by the submitters: PubMed 24916970 (cited by 3 submitters); DOI 10.3389/fgene.2022.834265 (cited by National Health Laboratory Service, Universitas Academic Hospital and University of the Free State).